The following is an entry in ClinVar:

NM_015164.4(PLEKHM2):c.2030G>A (p.Arg677His)

Gene: PLEKHM2 (pleckstrin homology and RUN domain containing M2; plus strand). Cytogenetic location: 1p36.21.
Variant type: single nucleotide variant.
Coding change: c.2030G>A on transcript NM_015164.4 (MANE Select); coding-DNA position 2030, G replaced by A.
Protein change: p.Arg677His; replaces arginine 677 with histidine.
Molecular consequence: missense variant.
Genome position (GRCh38, 1-based): chr1:15,729,145, G>A. VCF-style: chr1-15729145-G-A. GRCh37 (hg19) VCF-style: chr1-16055640-G-A.
Other names: short protein forms R677H.
Identifiers: ClinVar variation 951259 (VCV000951259.9), dbSNP rs899766875, ClinGen allele CA18266834.

ClinVar aggregate classification (germline): Uncertain significance (1 of 4 stars; one submission).

Allele frequency attached by ClinVar (database versions not stated): gnomAD 0.00003 and 0.00004; TOPMed 0.00006.
gnomAD v4.1: 25 of 1,611,750 alleles (0.0016%); highest among the groups gnomAD compares: African/African-American, 0.004%; no homozygotes.

Submission:

Labcorp Genetics (formerly Invitae), Labcorp
Classification: Uncertain significance. Last evaluated: 2025-10-18. Review status: criteria provided, single submitter. Criteria: Invitae Variant Classification Sherloc (09022015). Collection method: clinical testing. Allele origin: germline.
Comment: This sequence change replaces arginine, which is basic and polar, with histidine, which is basic and polar, at codon 677 of the PLEKHM2 protein (p.Arg677His). The frequency data for this variant in the population databases is considered unreliable, as metrics indicate poor data quality at this position in the gnomAD database. This variant has not been reported in the literature in individuals affected with PLEKHM2-related conditions. ClinVar contains an entry for this variant (Variation ID: 951259). An algorithm developed to predict the effect of missense changes on protein structure and function (PolyPhen-2) suggests that this variant is likely to be disruptive. In summary, the available evidence is currently insufficient to determine the role of this variant in disease. Therefore, it has been classified as a Variant of Uncertain Significance.